The following is an entry in ClinVar:

ClinVar aggregate classification (germline): Uncertain significance (1 of 4 stars; one submission).

Conditions:
Hereditary cancer-predisposing syndrome. Also called: Tumor predisposition; Hereditary neoplastic syndrome; Hereditary Cancer Syndrome; Neoplastic Syndromes, Hereditary. Identifiers: Orphanet 140162, MedGen C0027672, MeSH D009386, MONDO:0015356.

gnomAD v4.1: 2 of 1,599,060 alleles (0.00013%); highest among the groups gnomAD compares: South Asian, 0.0011%; no homozygotes.

Submission:

Ambry Genetics
Classification: Uncertain significance for Hereditary cancer-predisposing syndrome. Last evaluated: 2024-02-05. Review status: criteria provided, single submitter. Criteria: Ambry Variant Classification Scheme 2023. Collection method: clinical testing. Allele origin: germline.
Comment: The p.R311P variant (also known as c.932G>C), located in coding exon 7 of the POLD1 gene, results from a G to C substitution at nucleotide position 932. The arginine at codon 311 is replaced by proline, an amino acid with dissimilar properties. This amino acid position is well conserved in available vertebrate species. In addition, the in silico prediction for this alteration is inconclusive. Based on the available evidence, the clinical significance of this alteration remains unclear.

NM_002691.4(POLD1):c.932G>C (p.Arg311Pro)

Gene: POLD1 (DNA polymerase delta 1, catalytic subunit; plus strand). Cytogenetic location: 19q13.33.
Variant type: single nucleotide variant.
Coding change: c.932G>C on transcript NM_002691.4 (MANE Select); coding-DNA position 932, G replaced by C.
Protein change: p.Arg311Pro; replaces arginine 311 with proline.
Molecular consequence: missense variant. On other transcripts: non-coding transcript variant (1).
Genome position (GRCh38, 1-based): chr19:50,402,703, G>C. VCF-style: chr19-50402703-G-C. GRCh37 (hg19) VCF-style: chr19-50905960-G-C.
Other names: c.932G>C, p.Arg311Pro (NM_001256849.1, NM_001308632.1); short protein forms R311P.
Identifiers: ClinVar variation 3222753 (VCV003222753.1), dbSNP rs777944185, ClinGen allele CA406977228.